The following is an entry in ClinVar:

NM_014946.4(SPAST):c.1715T>C (p.Met572Thr)

Gene: SPAST (spastin; plus strand). Cytogenetic location: 2p22.3.
Variant type: single nucleotide variant.
Coding change: c.1715T>C on transcript NM_014946.4 (MANE Select); coding-DNA position 1715, T replaced by C.
Protein change: p.Met572Thr; replaces methionine 572 with threonine.
Molecular consequence: missense variant. On other transcripts: synonymous variant (1).
Genome position (GRCh38, 1-based): chr2:32,147,245, T>C. VCF-style: chr2-32147245-T-C. GRCh37 (hg19) VCF-style: chr2-32372314-T-C.
Other names: c.1712T>C, p.Met571Thr (NM_001363823.2); c.1616T>C, p.Met539Thr (NM_001363875.2); c.1548T>C, p.Tyr516= (NM_001377959.1); c.1619T>C, p.Met540Thr (NM_199436.2); short protein forms M539T, M540T, M571T, M572T.
Identifiers: ClinVar variation 988981 (VCV000988981.4), dbSNP rs138146982, ClinGen allele CA1600993.
Genomic context (GRCh38, chr2:32,147,245, plus strand): 5'-TATTTTTAAGTGCCTGACTTTTATGTTTTACAGAACTAAAACCAGAACAGGTGAAGAATA[T>C]GTCTGCCAGTGAGGTATAGTATTTTACAATGATATTTTCTTTGTCTTCTATATTGTAAGA-3'
Protein context (NP_055761.2, residues 562-582): RELKPEQVKN[Met572Thr]SASEMRNIRL

ClinVar aggregate classification (germline): Conflicting classifications of pathogenicity. Review status: criteria provided, conflicting classifications (1 of 4 stars). 2 submissions from 2 submitters: Pathogenic (1); Uncertain significance (1). Last evaluated 2023-05-03.

Conditions:
Hereditary spastic paraplegia 4. Also called: Spastic paraplegia 4, autosomal dominant; Spastic Paraplegia 4; Familial spastic paraplegia autosomal dominant 2. Identifiers: Orphanet 100985, MedGen C1866855, MONDO:0008438, OMIM 182601.

Allele frequency attached by ClinVar (database versions not stated): gnomAD exomes below 0.00001 and 0.00001; ExAC 0.00001; ESP Exome Variant Server 0.00008.
gnomAD v4.1: 11 of 1,606,468 alleles (0.00068%); highest among the groups gnomAD compares: South Asian, 0.0011%; no homozygotes.

Submissions (2):

Labcorp Genetics (formerly Invitae), Labcorp
Classification: Uncertain significance for Hereditary spastic paraplegia 4. Last evaluated: 2023-05-03. Review status: criteria provided, single submitter. Criteria: Invitae Variant Classification Sherloc (09022015). Collection method: clinical testing. Allele origin: germline.
Comment: This variant has not been reported in the literature in individuals affected with SPAST-related conditions. In summary, the available evidence is currently insufficient to determine the role of this variant in disease. Therefore, it has been classified as a Variant of Uncertain Significance. Advanced modeling of protein sequence and biophysical properties (such as structural, functional, and spatial information, amino acid conservation, physicochemical variation, residue mobility, and thermodynamic stability) performed at Invitae indicates that this missense variant is not expected to disrupt SPAST protein function. ClinVar contains an entry for this variant (Variation ID: 988981). This variant is present in population databases (rs138146982, gnomAD 0.0009%). This sequence change replaces methionine, which is neutral and non-polar, with threonine, which is neutral and polar, at codon 572 of the SPAST protein (p.Met572Thr).

Paris Brain Institute, Inserm - ICM
Classification: Pathogenic for Hereditary spastic paraplegia 4. Review status: criteria provided, single submitter. Criteria: ACMG Guidelines, 2015. Collection method: clinical testing. Allele origin: unknown. Affected: yes. Observed: 1 variant allele.